The following is an entry in ClinVar:

ClinVar aggregate classification (germline): Conflicting classifications of pathogenicity. Review status: criteria provided, conflicting classifications (1 of 4 stars). 6 submissions from 6 submitters: Uncertain significance (1); Likely benign (3). 2 of the submissions do not count toward it. Last evaluated 2026-05-26.

Conditions:
PKD1L1-related disorder. Also called: PKD1L1-related condition.

Allele frequency attached by ClinVar (database versions not stated): ESP Exome Variant Server 0.00015; gnomAD 0.00025; 1000 Genomes Project 30x 0.00031; gnomAD exomes 0.00032 and 0.00045; TOPMed 0.00033; 1000 Genomes Project 0.00040; ExAC 0.00073.
gnomAD v4.1: 510 of 1,610,002 alleles (0.032%); highest among the groups gnomAD compares: Middle Eastern, 0.099%; 1 homozygote.

Submissions (6):

PreventionGenetics, part of Exact Sciences
Classification: Likely benign for PKD1L1-related condition. Last evaluated: 2026-05-26. Review status: criteria provided, single submitter. Criteria: ACMG Guidelines, 2015. Collection method: clinical testing. Allele origin: germline.
Comment: This variant is classified as likely benign based on ACMG/AMP sequence variant interpretation guidelines (Richards et al. 2015 PMID: 25741868, with internal and published modifications).

GeneDx
Classification: Uncertain significance. Last evaluated: 2026-03-03. Review status: criteria provided, single submitter. Criteria: GeneDx Variant Classification Process June 2021. Collection method: clinical testing. Allele origin: germline.
Comment: In silico analysis suggests that this missense variant does not alter protein structure/function; Has not been previously published as pathogenic or benign to our knowledge

Labcorp Genetics (formerly Invitae), Labcorp
Classification: Likely benign. Last evaluated: 2025-12-11. Review status: criteria provided, single submitter. Criteria: Invitae Variant Classification Sherloc (09022015). Collection method: clinical testing. Allele origin: germline.

CeGaT Center for Human Genetics Tuebingen
Classification: Likely benign. Last evaluated: 2024-07-01. Review status: criteria provided, single submitter. Criteria: CeGaT Center For Human Genetics Tuebingen Variant Classification Criteria Version 2. Collection method: clinical testing. Allele origin: germline. Affected: yes. Observed: 1 variant allele.
Comment: PKD1L1: BP4

Clinical Genetics DNA and cytogenetics Diagnostics Lab, Erasmus MC, Erasmus Medical Center
Classification: Likely benign. Review status: no assertion criteria provided. Collection method: clinical testing. Allele origin: germline. Affected: yes. Study: VKGL Data-share Consensus. Not counted in ClinVar's aggregate classification.

Laboratory of Diagnostic Genome Analysis, Leiden University Medical Center (LUMC)
Classification: Likely benign. Review status: no assertion criteria provided. Collection method: clinical testing. Allele origin: germline. Affected: yes. Study: VKGL Data-share Consensus. Not counted in ClinVar's aggregate classification.

NM_138295.5(PKD1L1):c.7541G>A (p.Arg2514His)

Genes: PKD1L1 (polycystin 1 like 1, transient receptor potential channel interacting; minus strand), PKD1L1-AS1 (PKD1L1 antisense RNA 1; plus strand). Cytogenetic location: 7p12.3.
Variant type: single nucleotide variant.
Coding change: c.7541G>A on transcript NM_138295.5 (MANE Select); coding-DNA position 7541, G replaced by A.
Protein change: p.Arg2514His; replaces arginine 2514 with histidine.
Molecular consequence: missense variant.
Genome position (GRCh38, 1-based): chr7:47,811,857, C>T on the plus strand (G>A on the coding strand, the complement: PKD1L1 is on the minus strand). VCF-style: chr7-47811857-C-T. GRCh37 (hg19) VCF-style: chr7-47851455-C-T.
Other names: short protein forms R2514H.
Identifiers: ClinVar variation 743268 (VCV000743268.28), dbSNP rs199514547, ClinGen allele CA4251998.